The following is an entry in ClinVar:

NM_153026.3(PRICKLE1):c.2089C>T (p.Pro697Ser)

Gene: PRICKLE1 (prickle planar cell polarity protein 1; minus strand). Cytogenetic location: 12q12.
Variant type: single nucleotide variant.
Coding change: c.2089C>T on transcript NM_153026.3 (MANE Select); coding-DNA position 2089, C replaced by T.
Protein change: p.Pro697Ser; replaces proline 697 with serine.
Molecular consequence: missense variant.
Genome position (GRCh38, 1-based): chr12:42,460,216, G>A on the plus strand (C>T on the coding strand, the complement: PRICKLE1 is on the minus strand). VCF-style: chr12-42460216-G-A. GRCh37 (hg19) VCF-style: chr12-42854018-G-A.
Other names: c.2089C>T, p.Pro697Ser (NM_001144881.2, NM_001144882.2, NM_001144883.2); short protein forms P697S.
Identifiers: ClinVar variation 537245 (VCV000537245.8), dbSNP rs781672373, ClinGen allele CA6519658.

ClinVar aggregate classification (germline): Uncertain significance (1 of 4 stars; one submission).

Conditions:
Epilepsy, progressive myoclonic, 1B. Also called: PME. Identifiers: Orphanet 308, MedGen C2676254, MONDO:0012904, OMIM 612437.

Allele frequency attached by ClinVar (database versions not stated): gnomAD below 0.00001 and 0.00001; ExAC 0.00001; gnomAD exomes 0.00001 and 0.00002.
gnomAD v4.1: 22 of 1,613,974 alleles (0.0014%); highest among the groups gnomAD compares: South Asian, 0.022%; no homozygotes.

Submission:

Labcorp Genetics (formerly Invitae), Labcorp
Classification: Uncertain significance for Epilepsy, progressive myoclonic, 1B. Last evaluated: 2024-12-02. Review status: criteria provided, single submitter. Criteria: Invitae Variant Classification Sherloc (09022015). Collection method: clinical testing. Allele origin: germline.
Comment: This sequence change replaces proline, which is neutral and non-polar, with serine, which is neutral and polar, at codon 697 of the PRICKLE1 protein (p.Pro697Ser). This variant is present in population databases (rs781672373, gnomAD 0.01%). This variant has not been reported in the literature in individuals affected with PRICKLE1-related conditions. ClinVar contains an entry for this variant (Variation ID: 537245). Invitae Evidence Modeling of protein sequence and biophysical properties (such as structural, functional, and spatial information, amino acid conservation, physicochemical variation, residue mobility, and thermodynamic stability) indicates that this missense variant is not expected to disrupt PRICKLE1 protein function with a negative predictive value of 80%. In summary, the available evidence is currently insufficient to determine the role of this variant in disease. Therefore, it has been classified as a Variant of Uncertain Significance.